The following is an entry in ClinVar:

NM_001130438.3(SPTAN1):c.3666C>T (p.Ala1222=)

Gene: SPTAN1 (spectrin alpha, non-erythrocytic 1; plus strand). Cytogenetic location: 9q34.11.
Variant type: single nucleotide variant.
Coding change: c.3666C>T on transcript NM_001130438.3 (MANE Select); coding-DNA position 3666, C replaced by T.
Protein change: p.Ala1222=; no amino-acid change (alanine 1222 retained).
Molecular consequence: synonymous variant.
Genome position (GRCh38, 1-based): chr9:128,604,364, C>T. VCF-style: chr9-128604364-C-T. GRCh37 (hg19) VCF-style: chr9-131366643-C-T.
Other names: c.3606C>T, p.Ala1202= (NM_001195532.2, NM_001363765.2); c.3666C>T, p.Ala1222= (NM_001363759.2, NM_003127.4).
Identifiers: ClinVar variation 586677 (VCV000586677.15), dbSNP rs372831978, ClinGen allele CA5265010.
Genomic context (GRCh38, chr9:128,604,364, plus strand): 5'-CTGATGTTTTGCTGTCCTGCAGGAGCTGAATGAGCGCTGGCGGTCCCTACAGCAGCTGGC[C>T]GAGGAACGGAGCCAGCTCTTGGGCAGCGCCCATGAAGTACAGAGGTTCCACAGGTGAGGG-3'
Protein context (NP_001123910.1, residues 1212-1232): NERWRSLQQL[Ala1222=]EERSQLLGSA

ClinVar aggregate classification (germline): Likely benign. Review status: criteria provided, multiple submitters, no conflicts (2 of 4 stars). 3 submissions from 3 submitters: Likely benign (3). Last evaluated 2025-10-02.

Conditions:
Early-infantile DEE. Also called: Ohtahara syndrome; Early infantile epileptic encephalopathy; Early infantile epileptic encephalopathy with suppression bursts. Identifiers: Orphanet 1934, MedGen C0393706, MONDO:0800491.

gnomAD v4.1: 9 of 1,613,832 alleles (0.00056%); highest among the groups gnomAD compares: Admixed American, 0.0067%; no homozygotes.

Submissions (3):

Labcorp Genetics (formerly Invitae), Labcorp
Classification: Likely benign for Early-infantile DEE. Last evaluated: 2025-10-02. Review status: criteria provided, single submitter. Criteria: Invitae Variant Classification Sherloc (09022015). Collection method: clinical testing. Allele origin: germline.

CeGaT Center for Human Genetics Tuebingen
Classification: Likely benign. Last evaluated: 2025-10-01. Review status: criteria provided, single submitter. Criteria: CeGaT Center For Human Genetics Tuebingen Variant Classification Criteria Version 2. Collection method: clinical testing. Allele origin: germline. Affected: yes. Observed: 1 variant allele.
Comment: SPTAN1: BP4, BP7

Athena Diagnostics
Classification: Likely benign. Last evaluated: 2018-02-19. Review status: criteria provided, single submitter. Criteria: Athena Diagnostics Criteria. Collection method: clinical testing. Allele origin: germline.